The following is an entry in ClinVar:

NM_004646.4(NPHS1):c.1370C>T (p.Ala457Val)

Gene: NPHS1 (NPHS1 adhesion molecule, nephrin; minus strand). Cytogenetic location: 19q13.12.
Variant type: single nucleotide variant.
Coding change: c.1370C>T on transcript NM_004646.4 (MANE Select); coding-DNA position 1370, C replaced by T.
Protein change: p.Ala457Val; replaces alanine 457 with valine.
Molecular consequence: missense variant.
Genome position (GRCh38, 1-based): chr19:35,848,111, G>A on the plus strand (C>T on the coding strand, the complement: NPHS1 is on the minus strand). VCF-style: chr19-35848111-G-A. GRCh37 (hg19) VCF-style: chr19-36339013-G-A.
Other names: short protein forms A457V.
Identifiers: ClinVar variation 2137424 (VCV002137424.5), dbSNP rs941495784, ClinGen allele CA307786705.

ClinVar aggregate classification (germline): Uncertain significance. Review status: criteria provided, multiple submitters, no conflicts (2 of 4 stars). 4 submissions from 4 submitters: Uncertain significance (4). Last evaluated 2025-12-17.

Conditions:
Inborn genetic diseases. Identifiers: MedGen C0950123, MeSH D030342.
Finnish congenital nephrotic syndrome (NPHS1). Also called: NEPHROTIC SYNDROME, TYPE 1. Identifiers: Orphanet 839, MedGen C0403399, MONDO:0009732, OMIM 256300.

Allele frequency attached by ClinVar (database versions not stated): gnomAD exomes 0.00001; gnomAD 0.00005; TOPMed 0.00006.
gnomAD v4.1: 27 of 1,613,880 alleles (0.0017%); highest among the groups gnomAD compares: Admixed American, 0.043%; no homozygotes.

Submissions (4):

Greenwood Genetic Center Diagnostic Laboratories, Greenwood Genetic Center
Classification: Uncertain significance. Last evaluated: 2025-12-17. Review status: criteria provided, single submitter. Criteria: ACMG Guidelines, 2015. Collection method: clinical testing. Allele origin: germline. Affected: yes.
Comment: PM2

Labcorp Genetics (formerly Invitae), Labcorp
Classification: Uncertain significance. Last evaluated: 2024-10-16. Review status: criteria provided, single submitter. Criteria: Invitae Variant Classification Sherloc (09022015). Collection method: clinical testing. Allele origin: germline.
Comment: This sequence change replaces alanine, which is neutral and non-polar, with valine, which is neutral and non-polar, at codon 457 of the NPHS1 protein (p.Ala457Val). This variant is present in population databases (no rsID available, gnomAD 0.04%). This variant has not been reported in the literature in individuals affected with NPHS1-related conditions. ClinVar contains an entry for this variant (Variation ID: 2137424). Invitae Evidence Modeling of protein sequence and biophysical properties (such as structural, functional, and spatial information, amino acid conservation, physicochemical variation, residue mobility, and thermodynamic stability) indicates that this missense variant is not expected to disrupt NPHS1 protein function with a negative predictive value of 80%. In summary, the available evidence is currently insufficient to determine the role of this variant in disease. Therefore, it has been classified as a Variant of Uncertain Significance.

Fulgent Genetics
Classification: Uncertain significance for Finnish congenital nephrotic syndrome. Last evaluated: 2024-01-13. Review status: criteria provided, single submitter. Criteria: ACMG Guidelines, 2015. Collection method: clinical testing. Allele origin: germline.

Ambry Genetics
Classification: Uncertain significance for Inborn genetic diseases. Last evaluated: 2021-07-20. Review status: criteria provided, single submitter. Criteria: Ambry Variant Classification Scheme 2023. Collection method: clinical testing. Allele origin: germline.